The following is an entry in ClinVar:

ClinVar aggregate classification (germline): Uncertain significance. Review status: criteria provided, multiple submitters, no conflicts (2 of 4 stars). 2 submissions from 2 submitters: Uncertain significance (2). Last evaluated 2025-01-27.

Conditions:
Dilated cardiomyopathy 1J (CMD1J). Also called: CARDIOMYOPATHY, DILATED, WITH SENSORINEURAL HEARING LOSS, AUTOSOMAL DOMINANT. Identifiers: Orphanet 217622, MedGen C1854368, MONDO:0011541, OMIM 605362.
Hearing impairment. Also called: Impaired Hearing. Identifiers: MedGen C1384666, MONDO:0005365, HP:0000365.

Allele frequency attached by ClinVar (database versions not stated): gnomAD exomes below 0.00001; TOPMed below 0.00001; gnomAD 0.00001.
gnomAD v4.1: 4 of 1,610,466 alleles (0.00025%); highest among the groups gnomAD compares: Non-Finnish European, 0.00025%; no homozygotes.

Submissions (2):

Labcorp Genetics (formerly Invitae), Labcorp
Classification: Uncertain significance for Dilated cardiomyopathy 1J. Last evaluated: 2025-01-27. Review status: criteria provided, single submitter. Criteria: Invitae Variant Classification Sherloc (09022015). Collection method: clinical testing. Allele origin: germline.
Comment: This sequence change replaces cysteine, which is neutral and slightly polar, with serine, which is neutral and polar, at codon 429 of the EYA4 protein (p.Cys429Ser). This variant is present in population databases (no rsID available, gnomAD 0.0009%). This variant has not been reported in the literature in individuals affected with EYA4-related conditions. ClinVar contains an entry for this variant (Variation ID: 846841). Invitae Evidence Modeling of protein sequence and biophysical properties (such as structural, functional, and spatial information, amino acid conservation, physicochemical variation, residue mobility, and thermodynamic stability) indicates that this missense variant is expected to disrupt EYA4 protein function with a positive predictive value of 80%. In summary, the available evidence is currently insufficient to determine the role of this variant in disease. Therefore, it has been classified as a Variant of Uncertain Significance.

Department of Otolaryngology – Head & Neck Surgery, Cochlear Implant Center
Classification: Uncertain significance for Hearing impairment. Last evaluated: 2021-04-12. Review status: criteria provided, single submitter. Criteria: ClinGen HL ACMG Specifications v1. Collection method: clinical testing. Allele origin: germline. Affected: yes.
Comment: PM2_Moderate, PP3_Supporting

NM_004100.5(EYA4):c.1286G>C (p.Cys429Ser)

Genes: TARID (TCF21 antisense RNA inducing promoter demethylation; minus strand), EYA4 (EYA transcriptional coactivator and phosphatase 4; plus strand). Cytogenetic location: 6q23.2.
Variant type: single nucleotide variant.
Coding change: c.1286G>C on transcript NM_004100.5 (MANE Select); coding-DNA position 1286, G replaced by C.
Protein change: p.Cys429Ser; replaces cysteine 429 with serine.
Molecular consequence: missense variant.
Genome position (GRCh38, 1-based): chr6:133,512,725, G>C. VCF-style: chr6-133512725-G-C. GRCh37 (hg19) VCF-style: chr6-133833863-G-C.
Other names: c.1124G>C, p.Cys375Ser (NM_001301012.2); c.1304G>C, p.Cys435Ser (NM_001301013.2); c.1217G>C, p.Cys406Ser (NM_001370458.1, NM_172103.4); c.1142G>C, p.Cys381Ser (NM_001370459.1); c.1286G>C, p.Cys429Ser (NM_172105.4); short protein forms C375S, C381S, C406S, C429S, C435S.
Identifiers: ClinVar variation 846841 (VCV000846841.14), dbSNP rs1446619876, ClinGen allele CA365714532.